The following is an entry in ClinVar:

NM_006766.5(KAT6A):c.3874G>C (p.Glu1292Gln)

Gene: KAT6A (lysine acetyltransferase 6A; minus strand). Cytogenetic location: 8p11.21.
Variant type: single nucleotide variant.
Coding change: c.3874G>C on transcript NM_006766.5 (MANE Select); coding-DNA position 3874, G replaced by C.
Protein change: p.Glu1292Gln; replaces glutamic acid 1292 with glutamine.
Molecular consequence: missense variant.
Genome position (GRCh38, 1-based): chr8:41,934,346, C>G on the plus strand (G>C on the coding strand, the complement: KAT6A is on the minus strand). VCF-style: chr8-41934346-C-G. GRCh37 (hg19) VCF-style: chr8-41791864-C-G.
Other names: short protein forms E1292Q.
Identifiers: ClinVar variation 4848069 (VCV004848069.1).

ClinVar aggregate classification (germline): Uncertain significance (1 of 4 stars; one submission).

Submission:

Women's Health and Genetics/Laboratory Corporation of America, LabCorp
Classification: Uncertain significance. Last evaluated: 2026-02-03. Review status: criteria provided, single submitter. Criteria: LabCorp Variant Classification Summary - May 2015. Collection method: clinical testing. Allele origin: germline.
Comment: Variant summary: KAT6A c.3874G>C (p.Glu1292Gln) results in a conservative amino acid change in the encoded protein sequence. Algorithms developed to predict the effect of missense changes on protein structure and function are either unavailable or do not agree on the potential impact of this missense change. The variant was absent in 249450 control chromosomes. The available data on variant occurrences in the general population are insufficient to allow any conclusion about variant significance. To our knowledge, no occurrence of c.3874G>C in individuals affected with KAT6A-related conditions and no experimental evidence demonstrating its impact on protein function have been reported. No submitters have cited clinical-significance assessments for this variant to ClinVar. Based on the evidence outlined above, the variant was classified as uncertain significance.